The following is an entry in ClinVar:

NM_002317.7(LOX):c.355C>T (p.Pro119Ser)

Genes: LOX (lysyl oxidase; minus strand), SRFBP1 (serum response factor binding protein 1; plus strand). Cytogenetic location: 5q23.1.
Variant type: single nucleotide variant.
Coding change: c.355C>T on transcript NM_002317.7 (MANE Select); coding-DNA position 355, C replaced by T.
Protein change: p.Pro119Ser; replaces proline 119 with serine.
Molecular consequence: missense variant.
Genome position (GRCh38, 1-based): chr5:122,077,631, G>A on the plus strand (C>T on the coding strand, the complement: LOX is on the minus strand). VCF-style: chr5-122077631-G-A. GRCh37 (hg19) VCF-style: chr5-121413326-G-A.
Other names: short protein forms P119S.
Identifiers: ClinVar variation 3222073 (VCV003222073.1), dbSNP rs1336143561, ClinGen allele CA360876716.

ClinVar aggregate classification (germline): Uncertain significance (1 of 4 stars; one submission).

Conditions:
Cardiovascular phenotype. Identifiers: MedGen CN230736.

gnomAD v4.1: 2 of 1,610,768 alleles (0.00012%); highest among the groups gnomAD compares: Non-Finnish European, 0.00017%; no homozygotes.

Submission:

Ambry Genetics
Classification: Uncertain significance for Cardiovascular phenotype. Last evaluated: 2023-11-29. Review status: criteria provided, single submitter. Criteria: Ambry Variant Classification Scheme 2023. Collection method: clinical testing. Allele origin: germline.
Comment: The p.P119S variant (also known as c.355C>T), located in coding exon 1 of the LOX gene, results from a C to T substitution at nucleotide position 355. The proline at codon 119 is replaced by serine, an amino acid with similar properties. This amino acid position is conserved. In addition, this alteration is predicted to be tolerated by in silico analysis. Since supporting evidence is limited at this time, the clinical significance of this alteration remains unclear.